The following is an entry in ClinVar:

ClinVar aggregate classification (germline): Uncertain significance (1 of 4 stars; one submission).

Conditions:
Brachyolmia-amelogenesis imperfecta syndrome. Also called: PLATYSPONDYLY WITH AMELOGENESIS IMPERFECTA; Tooth agenesis, selective, 6; Dental anomalies and short stature. Identifiers: Orphanet 2899, MedGen C1832594, MONDO:0011018, OMIM 601216. Disease mechanism: loss of function.

gnomAD v4.1: 1 of 1,492,088 alleles (0.000067%); highest among the groups gnomAD compares: Non-Finnish European, 0.000089%; no homozygotes.

Submission:

Labcorp Genetics (formerly Invitae), Labcorp
Classification: Uncertain significance for Brachyolmia-amelogenesis imperfecta syndrome. Last evaluated: 2023-08-11. Review status: criteria provided, single submitter. Criteria: Invitae Variant Classification Sherloc (09022015). Collection method: clinical testing. Allele origin: germline.
Comment: This sequence change falls in intron 24 of the LTBP3 gene. It does not directly change the encoded amino acid sequence of the LTBP3 protein. It affects a nucleotide within the consensus splice site. This variant is not present in population databases (gnomAD no frequency). This variant has not been reported in the literature in individuals affected with LTBP3-related conditions. Variants that disrupt the consensus splice site are a relatively common cause of aberrant splicing (PMID: 17576681, 9536098). Algorithms developed to predict the effect of sequence changes on RNA splicing suggest that this variant is not likely to affect RNA splicing. In summary, the available evidence is currently insufficient to determine the role of this variant in disease. Therefore, it has been classified as a Variant of Uncertain Significance.

Literature cited by the submitters: PubMed 17576681; PubMed 9536098.

NM_001130144.3(LTBP3):c.3385+6G>C

Genes: LTBP3 (latent transforming growth factor beta binding protein 3; minus strand), LOC130006027 (ATAC-STARR-seq lymphoblastoid silent region 3530; plus strand). Cytogenetic location: 11q13.1.
Variant type: single nucleotide variant.
Coding change: c.3385+6G>C on transcript NM_001130144.3 (MANE Select); 6 bases into the intron after coding-DNA position 3385, G replaced by C.
Molecular consequence: intron variant.
Genome position (GRCh38, 1-based): chr11:65,540,007, C>G on the plus strand (G>C on the coding strand, the complement: LTBP3 is on the minus strand). VCF-style: chr11-65540007-C-G. GRCh37 (hg19) VCF-style: chr11-65307478-C-G.
Other names: c.2894-126G>C (NM_001164266.1); c.3245-126G>C (NM_021070.4).
Identifiers: ClinVar variation 2749602 (VCV002749602.3), dbSNP rs1345585745, ClinGen allele CA679329341.